The following is an entry in ClinVar:

ClinVar aggregate classification (germline): Uncertain significance (1 of 4 stars; one submission).

Conditions:
Cryopyrin associated periodic syndrome (CAPS). Identifiers: Orphanet 208650, MedGen C2316212, MONDO:0016168.

Allele frequency attached by ClinVar (database versions not stated): gnomAD exomes below 0.00001; ExAC 0.00001; gnomAD 0.00001; 1000 Genomes Project 30x 0.00016; 1000 Genomes Project 0.00020.
gnomAD v4.1: 2 of 1,612,948 alleles (0.00012%); highest among the groups gnomAD compares: East Asian, 0.0045%; no homozygotes.

Submission:

Labcorp Genetics (formerly Invitae), Labcorp
Classification: Uncertain significance for Cryopyrin associated periodic syndrome. Last evaluated: 2024-12-21. Review status: criteria provided, single submitter. Criteria: Invitae Variant Classification Sherloc (09022015). Collection method: clinical testing. Allele origin: germline.
Comment: This sequence change replaces leucine, which is neutral and non-polar, with phenylalanine, which is neutral and non-polar, at codon 701 of the NLRP3 protein (p.Leu701Phe). This variant is present in population databases (rs536840312, gnomAD 0.01%). This variant has not been reported in the literature in individuals affected with NLRP3-related conditions. ClinVar contains an entry for this variant (Variation ID: 578380). Invitae Evidence Modeling of protein sequence and biophysical properties (such as structural, functional, and spatial information, amino acid conservation, physicochemical variation, residue mobility, and thermodynamic stability) indicates that this missense variant is not expected to disrupt NLRP3 protein function with a negative predictive value of 95%. In summary, the available evidence is currently insufficient to determine the role of this variant in disease. Therefore, it has been classified as a Variant of Uncertain Significance.

NM_001243133.2(NLRP3):c.2095C>T (p.Leu699Phe)

Gene: NLRP3 (NLR family pyrin domain containing 3; plus strand). Cytogenetic location: 1q44.
Variant type: single nucleotide variant.
Coding change: c.2095C>T on transcript NM_001243133.2 (MANE Select); coding-DNA position 2095, C replaced by T.
Protein change: p.Leu699Phe; replaces leucine 699 with phenylalanine.
Molecular consequence: missense variant.
Genome position (GRCh38, 1-based): chr1:247,425,544, C>T. VCF-style: chr1-247425544-C-T. GRCh37 (hg19) VCF-style: chr1-247588846-C-T.
Other names: c.2095C>T, p.Leu699Phe (NM_001079821.3, NM_001127461.3, NM_001127462.3 and 1 more transcripts); c.2101C>T, p.Leu701Phe (NM_004895.5); short protein forms L701F, L699F.
Identifiers: ClinVar variation 578380 (VCV000578380.9), dbSNP rs536840312, ClinGen allele CA1495110.